The following is an entry in ClinVar:

NM_000059.4(BRCA2):c.2149T>A (p.Cys717Ser)

Gene: BRCA2 (BRCA2 DNA repair associated; plus strand). Cytogenetic location: 13q13.1.
Variant type: single nucleotide variant.
Coding change: c.2149T>A on transcript NM_000059.4 (MANE Select); coding-DNA position 2149, T replaced by A.
Protein change: p.Cys717Ser; replaces cysteine 717 with serine.
Molecular consequence: missense variant. On other transcripts: non-coding transcript variant (1), intron variant (2).
Genome position (GRCh38, 1-based): chr13:32,336,504, T>A. VCF-style: chr13-32336504-T-A. GRCh37 (hg19) VCF-style: chr13-32910641-T-A.
Other names: c.2149T>A, p.Cys717Ser (NM_001406719.1, NM_001406720.1, NM_001432077.1); c.1909+3117T>A (NM_001406721.1); c.424+5474T>A (NM_001406722.1); short protein forms C717S.
Identifiers: ClinVar variation 4856472 (VCV004856472.1).

ClinVar aggregate classification (germline): Likely benign (1 of 4 stars; one submission).

Conditions:
Breast-ovarian cancer, familial, susceptibility to, 2 (BROVCA2). Also called: BRCA2 Hereditary Breast and Ovarian Cancer. Identifiers: Orphanet 145, MedGen C2675520, MONDO:0012933, OMIM 612555. Disease mechanism: loss of function.

gnomAD v4.1: 1 of 1,614,006 alleles (0.000062%); highest among the groups gnomAD compares: Non-Finnish European, 0.000085%; no homozygotes.

Submission:

Cancer Bioinformatics and Tumour Evolution Laboratory, Monash University
Classification: Likely benign for Breast-ovarian cancer, familial, susceptibility to, 2. Last evaluated: 2026-05-01. Review status: criteria provided, single submitter. Criteria: ClinGen BRCA1 and BRCA2 Guidelines, 2024. Collection method: curation. Allele origin: germline. Inheritance: Autosomal dominant inheritance.
Comment: PMID: 39281752 - A large scale study to determine the case-control LR of BRCA1 and BRCA2 variants. The data was consolidated in the ccLR browser. This variant was found in the browser with a LR of 0.736953766 which is in the no evidence range according to the BRCA1 and BRCA2 VCEP. Hence, no evidence code is applied. Missense variant outside of a functional domain with no splice impact. BRCA1 and BRCA2 VCEP guidelines recommend application of BP1_Strong (PMID: 39142283)

Literature cited by the submitters: PubMed 39281752.